The following is an entry in ClinVar:

ClinVar aggregate classification (germline): Uncertain significance (1 of 4 stars; one submission).

gnomAD v4.1: 5 of 1,613,612 alleles (0.00031%); highest among the groups gnomAD compares: African/African-American, 0.0067%; no homozygotes.

Submission:

GeneDx
Classification: Uncertain significance. Last evaluated: 2025-04-09. Review status: criteria provided, single submitter. Criteria: GeneDx Variant Classification Process June 2021. Collection method: clinical testing. Allele origin: germline. Affected: yes.
Comment: Nonsense variant predicted to result in protein truncation as the last 24 amino acids are lost; Has not been previously published as pathogenic or benign to our knowledge

NM_001034850.3(RETREG1):c.1420C>T (p.Gln474Ter)

Gene: RETREG1 (reticulophagy regulator 1; minus strand). Cytogenetic location: 5p15.1.
Variant type: single nucleotide variant.
Coding change: c.1420C>T on transcript NM_001034850.3 (MANE Select); coding-DNA position 1420, C replaced by T.
Protein change: p.Gln474Ter; replaces glutamine 474 with a stop codon.
Molecular consequence: nonsense.
Genome position (GRCh38, 1-based): chr5:16,474,815, G>A on the plus strand (C>T on the coding strand, the complement: RETREG1 is on the minus strand). VCF-style: chr5-16474815-G-A. GRCh37 (hg19) VCF-style: chr5-16474924-G-A.
Other names: c.997C>T, p.Gln333Ter (NM_019000.5); short protein forms Q333*, Q474*.
Identifiers: ClinVar variation 4281755 (VCV004281755.1).